The following is an entry in ClinVar:

NM_001113491.2(SEPTIN9):c.1338G>A (p.Ala446=)

Gene: SEPTIN9 (septin 9; plus strand). Cytogenetic location: 17q25.3.
Variant type: single nucleotide variant.
Coding change: c.1338G>A on transcript NM_001113491.2 (MANE Select); coding-DNA position 1338, G replaced by A.
Protein change: p.Ala446=; no amino-acid change (alanine 446 retained).
Molecular consequence: synonymous variant.
Genome position (GRCh38, 1-based): chr17:77,490,817, G>A. VCF-style: chr17-77490817-G-A. GRCh37 (hg19) VCF-style: chr17-75486899-G-A.
Other names: c.846G>A, p.Ala282= (NM_001113492.2, NM_001113494.1); c.1317G>A, p.Ala439= (NM_001113493.2); c.585G>A, p.Ala195= (NM_001113495.2, NM_001113496.2, NM_001293697.2 and 1 more transcripts); c.1281G>A, p.Ala427= (NM_001293695.2); c.666G>A, p.Ala222= (NM_001293696.2); c.1284G>A, p.Ala428= (NM_006640.5).
Identifiers: ClinVar variation 325561 (VCV000325561.14), dbSNP rs768871202, ClinGen allele CA8793764.
Genomic context (GRCh38, chr17:77,490,817, plus strand): 5'-CATCGAGTTTATGAAACGCCTGAGCAAGGTGGTCAACATCGTCCCTGTCATCGCCAAGGC[G>A]GACACACTCACCCTGGAGGAGAGGGTCCACTTCAAACAGCGGGTAGGGTTCCATCTCTAC-3'
Protein context (NP_001106963.1, residues 436-456): VVNIVPVIAK[Ala446=]DTLTLEERVH

ClinVar aggregate classification (germline): Benign/Likely benign. Review status: criteria provided, multiple submitters, no conflicts (2 of 4 stars). 5 submissions from 5 submitters: Benign (3); Likely benign (2). Last evaluated 2024-11-11.

Conditions:
Amyotrophic neuralgia (HNA). Also called: Hereditary Brachial Plexus Neuropathy; Neuritis with Brachial Predilection; AMYOTROPHY, HEREDITARY NEURALGIC, WITH PREDILECTION FOR BRACHIAL PLEXUS; AMYOTROPHY, HEREDITARY NEURALGIC. Identifiers: Orphanet 2901, MedGen C1834304, MONDO:0008076, OMIM 162100.

Allele frequency attached by ClinVar (database versions not stated): gnomAD 0.00004; TOPMed 0.00006; gnomAD exomes 0.00018; ExAC 0.00022.
gnomAD v4.1: 116 of 1,594,426 alleles (0.0073%); highest among the groups gnomAD compares: Middle Eastern, 0.15%; no homozygotes.

Submissions (5):

Labcorp Genetics (formerly Invitae), Labcorp
Classification: Benign. Last evaluated: 2024-11-11. Review status: criteria provided, single submitter. Criteria: Invitae Variant Classification Sherloc (09022015). Collection method: clinical testing. Allele origin: germline.

Blueprint Genetics
Classification: Likely benign. Last evaluated: 2024-07-04. Review status: criteria provided, single submitter. Criteria: ACMG Guidelines, 2015. Collection method: clinical testing. Allele origin: germline.

Genome-Nilou Lab
Classification: Benign for Amyotrophic neuralgia. Last evaluated: 2021-12-05. Review status: criteria provided, single submitter. Criteria: ACMG Guidelines, 2015. Collection method: clinical testing. Allele origin: germline. Affected: no.

Illumina Laboratory Services, Illumina
Classification: Benign for Amyotrophy, hereditary neuralgic. Last evaluated: 2018-01-12. Review status: criteria provided, single submitter. Criteria: ICSL Variant Classification Criteria 13 December 2019. Collection method: clinical testing. Allele origin: germline.
Comment: This variant was observed in the ICSL laboratory as part of a predisposition screen in an ostensibly healthy population. It had not been previously curated by ICSL or reported in the Human Gene Mutation Database (HGMD: prior to June 1st, 2018), and was therefore a candidate for classification through an automated scoring system. Utilizing variant allele frequency, disease prevalence and penetrance estimates, and inheritance mode, an automated score was calculated to assess if this variant is too frequent to cause the disease. Based on the score and internal cut-off values, a variant classified as benign is not then subjected to further curation. The score for this variant resulted in a classification of benign for this disease.

Athena Diagnostics
Classification: Likely benign. Last evaluated: 2017-01-31. Review status: criteria provided, single submitter. Criteria: Athena Diagnostics Criteria. Collection method: clinical testing. Allele origin: germline.